The following is an entry in ClinVar:

ClinVar aggregate classification (germline): Benign/Likely benign. Review status: criteria provided, multiple submitters, no conflicts (2 of 4 stars). 3 submissions from 3 submitters: Benign (1); Likely benign (1). 1 of the submissions does not count toward it. Last evaluated 2025-12-16.

Conditions:
ZFHX2-related disorder. Also called: ZFHX2-related condition.

Allele frequency attached by ClinVar (database versions not stated): TOPMed 0.00006; gnomAD 0.00033; gnomAD exomes 0.00045; 1000 Genomes Project 0.00240; 1000 Genomes Project 30x 0.00250; ExAC 0.00390.
gnomAD v4.1: 676 of 1,536,284 alleles (0.044%); highest among the groups gnomAD compares: South Asian, 0.75%; 6 homozygotes.

Submissions (3):

Women's Health and Genetics/Laboratory Corporation of America, LabCorp
Classification: Benign. Last evaluated: 2025-12-16. Review status: criteria provided, single submitter. Criteria: LabCorp Variant Classification Summary - May 2015. Collection method: clinical testing. Allele origin: germline.

Blueprint Genetics
Classification: Likely benign. Last evaluated: 2024-10-30. Review status: criteria provided, single submitter. Criteria: ACMG Guidelines, 2015. Collection method: clinical testing. Allele origin: germline.

PreventionGenetics, part of Exact Sciences
Classification: Likely benign for ZFHX2-related condition. Last evaluated: 2019-04-05. Review status: no assertion criteria provided. Collection method: clinical testing. Allele origin: germline. Not counted in ClinVar's aggregate classification.
Comment: This variant is classified as likely benign based on ACMG/AMP sequence variant interpretation guidelines (Richards et al. 2015 PMID: 25741868, with internal and published modifications).

NM_033400.3(ZFHX2):c.5601G>A (p.Glu1867=)

Genes: THTPA (thiamine triphosphatase; plus strand), ZFHX2 (zinc finger homeobox 2; minus strand). Cytogenetic location: 14q11.2.
Variant type: single nucleotide variant.
Coding change: c.5601G>A on transcript NM_033400.3 (MANE Select); coding-DNA position 5601, G replaced by A.
Protein change: p.Glu1867=; no amino-acid change (glutamic acid 1867 retained).
Molecular consequence: synonymous variant.
Genome position (GRCh38, 1-based): chr14:23,524,341, C>T on the plus strand (G>A on the coding strand, the complement: ZFHX2 is on the minus strand). VCF-style: chr14-23524341-C-T. GRCh37 (hg19) VCF-style: chr14-23993550-C-T.
Identifiers: ClinVar variation 3057807 (VCV003057807.4), dbSNP rs562244250, ClinGen allele CA7116879.